The following is an entry in ClinVar:

NM_003184.4(TAF2):c.359A>T (p.Asp120Val)

Gene: TAF2 (TATA-box binding protein associated factor 2; minus strand). Cytogenetic location: 8q24.12.
Variant type: single nucleotide variant.
Coding change: c.359A>T on transcript NM_003184.4 (MANE Select); coding-DNA position 359, A replaced by T.
Protein change: p.Asp120Val; replaces aspartic acid 120 with valine.
Molecular consequence: missense variant.
Genome position (GRCh38, 1-based): chr8:119,806,342, T>A on the plus strand (A>T on the coding strand, the complement: TAF2 is on the minus strand). VCF-style: chr8-119806342-T-A. GRCh37 (hg19) VCF-style: chr8-120818582-T-A.
Other names: short protein forms D120V.
Identifiers: ClinVar variation 2835473 (VCV002835473.3), dbSNP rs2488455260, ClinGen allele CA371894596.

ClinVar aggregate classification (germline): Uncertain significance (1 of 4 stars; one submission).

Allele frequency attached by ClinVar (database versions not stated): gnomAD exomes below 0.00001.
gnomAD v4.1: 1 of 1,614,116 alleles (0.000062%); highest among the groups gnomAD compares: Non-Finnish European, 0.000085%; no homozygotes.

Submission:

Labcorp Genetics (formerly Invitae), Labcorp
Classification: Uncertain significance. Last evaluated: 2025-03-31. Review status: criteria provided, single submitter. Criteria: Invitae Variant Classification Sherloc (09022015). Collection method: clinical testing. Allele origin: germline.
Comment: This sequence change replaces aspartic acid, which is acidic and polar, with valine, which is neutral and non-polar, at codon 120 of the TAF2 protein (p.Asp120Val). This variant is not present in population databases (gnomAD no frequency). This variant has not been reported in the literature in individuals affected with TAF2-related conditions. ClinVar contains an entry for this variant (Variation ID: 2835473). Invitae Evidence Modeling of protein sequence and biophysical properties (such as structural, functional, and spatial information, amino acid conservation, physicochemical variation, residue mobility, and thermodynamic stability) has been performed for this missense variant. However, the output from this modeling did not meet the statistical confidence thresholds required to predict the impact of this variant on TAF2 protein function. In summary, the available evidence is currently insufficient to determine the role of this variant in disease. Therefore, it has been classified as a Variant of Uncertain Significance.